The following is an entry in ClinVar:

ClinVar aggregate classification (germline): other (0 of 4 stars; one submission).

Conditions:
Familial colorectal cancer. Identifiers: MedGen CN280943, MONDO:0023113. Disease mechanism: loss of function.

Submission:

Systems Biology Platform Zhejiang California International NanoSystems Institute
Classification: other for Familial colorectal cancer. Review status: no assertion criteria provided. Collection method: not provided. Allele origin: unknown.
ClinVar note: Converted during submission from cancer to other.

NM_000038.6(APC):c.730-1255T>A

Gene: APC (APC regulator of WNT signaling pathway; plus strand). Cytogenetic location: 5q22.2.
Variant type: single nucleotide variant.
Coding change: c.730-1255T>A on transcript NM_000038.6 (MANE Select); 1255 bases into the intron before coding-DNA position 730, T replaced by A.
Molecular consequence: intron variant.
Genome position (GRCh38, 1-based): chr5:112,800,024, T>A. VCF-style: chr5-112800024-T-A. GRCh37 (hg19) VCF-style: chr5-112135721-T-A.
Other names: c.730-1255T>A (NM_001354895.2, NM_001127510.3, NM_001354896.2 and 1 more transcripts); c.760-1255T>A (NM_001354897.2, NM_001354902.2); c.676-1255T>A (NM_001127511.3); c.655-1255T>A (NM_001354898.2, NM_001354904.2); c.-306-1255T>A (NM_001354906.2); c.646-1255T>A (NM_001354899.2); c.553-1255T>A (NM_001354900.2, NM_001354901.2, NM_001354905.2).
Identifiers: ClinVar variation 83035 (VCV000083035.2), dbSNP rs75174039, ClinGen allele CA013302.
Genomic context (GRCh38, chr5:112,800,024, plus strand): 5'-AACCTCCAGAGTATATCATATCTCTCTGTTATATATATTTACAGCACCTTGTACCCTTCT[T>A]TCATGGCATTTGTCAATTTTACCTTTATTATTTCTGTCATTATTTGACAGTGTCCCTGAC-3'